The following is an entry in ClinVar:

NM_000098.3(CPT2):c.886C>G (p.Arg296Gly)

Gene: CPT2 (carnitine palmitoyltransferase 2; plus strand). Cytogenetic location: 1p32.3.
Variant type: single nucleotide variant.
Coding change: c.886C>G on transcript NM_000098.3 (MANE Select); coding-DNA position 886, C replaced by G.
Protein change: p.Arg296Gly; replaces arginine 296 with glycine.
Molecular consequence: missense variant.
Genome position (GRCh38, 1-based): chr1:53,210,560, C>G. VCF-style: chr1-53210560-C-G. GRCh37 (hg19) VCF-style: chr1-53676232-C-G.
Other names: c.886C>G, p.Arg296Gly (NM_001330589.2); short protein forms R296G.
Identifiers: ClinVar variation 2190276 (VCV002190276.4), dbSNP rs727503887, ClinGen allele CA340394047.

ClinVar aggregate classification (germline): Likely pathogenic (1 of 4 stars; one submission).

Conditions:
Carnitine palmitoyltransferase II deficiency. Also called: Carnitine Palmitoyltransferase 2 Deficiency. Identifiers: Orphanet 157, MedGen C0342790, MONDO:0015515.

Submission:

Labcorp Genetics (formerly Invitae), Labcorp
Classification: Likely pathogenic for Carnitine palmitoyltransferase II deficiency. Last evaluated: 2025-02-02. Review status: criteria provided, single submitter. Criteria: Invitae Variant Classification Sherloc (09022015). Collection method: clinical testing. Allele origin: germline.
Comment: This sequence change replaces arginine, which is basic and polar, with glycine, which is neutral and non-polar, at codon 296 of the CPT2 protein (p.Arg296Gly). This variant is not present in population databases (gnomAD no frequency). This variant has not been reported in the literature in individuals affected with CPT2-related conditions. ClinVar contains an entry for this variant (Variation ID: 2190276). Invitae Evidence Modeling of protein sequence and biophysical properties (such as structural, functional, and spatial information, amino acid conservation, physicochemical variation, residue mobility, and thermodynamic stability) indicates that this missense variant is expected to disrupt CPT2 protein function with a positive predictive value of 95%. This variant disrupts the p.Arg296 amino acid residue in CPT2. Other variant(s) that disrupt this residue have been determined to be pathogenic (PMID: 14615409, 21913903; internal data). This suggests that this residue is clinically significant, and that variants that disrupt this residue are likely to be disease-causing. In summary, the currently available evidence indicates that the variant is pathogenic, but additional data are needed to prove that conclusively. Therefore, this variant has been classified as Likely Pathogenic.

Literature cited by the submitters: PubMed 14615409; PubMed 21913903.